The following continues an entry in ClinVar:

NM_000059.4(BRCA2):c.6757_6758del (p.Leu2253fs)

Gene: BRCA2. ClinVar aggregate classification (germline): Pathogenic. Pathogenic (1).

Submissions 11 to 16 of 16:

Women's Health and Genetics/Laboratory Corporation of America, LabCorp
Classification: Pathogenic for Hereditary breast and ovarian cancer syndrome. Last evaluated: 2020-12-18. Review status: criteria provided, single submitter. Criteria: LabCorp Variant Classification Summary - May 2015. Collection method: clinical testing. Allele origin: germline. Not counted in ClinVar's aggregate classification.
Comment: Variant summary: BRCA2 c.6757_6758delCT (p.Leu2253PhefsX7) results in a premature termination codon, predicted to cause a truncation of the encoded protein or absence of the protein due to nonsense mediated decay, which are commonly known mechanisms for disease. Truncations downstream of this position have been classified as pathogenic by our laboratory. The variant allele was found at a frequency of 4e-06 in 251352 control chromosomes. c.6757_6758delCT has been reported in the literature in multiple individuals affected with Hereditary Breast And Ovarian Cancer Syndrome (example, Rebbeck_2018). These data indicate that the variant is very likely to be associated with disease. Six clinical diagnostic laboratories and one expert panel (ENIGMA) have submitted clinical-significance assessments for this variant to ClinVar after 2014 without evidence for independent evaluation. All submitters classified the variant as pathogenic. Based on the evidence outlined above, the variant was classified as pathogenic.

ARUP Laboratories, Molecular Genetics and Genomics, ARUP Laboratories
Classification: Pathogenic. Last evaluated: 2020-12-04. Review status: criteria provided, single submitter. Criteria: ARUP Molecular Germline Variant Investigation Process 2021. Collection method: clinical testing. Allele origin: germline. Not counted in ClinVar's aggregate classification.
Comment: The BRCA2 c.6757_6758del; p.Leu2253PhefsTer7 variant (rs80359623), also known as 6985delCT in traditional nomenclature, is reported in the literature in individuals and families with hereditary cancer (Lubinski 2004, Pritchard 2016, Schorge 2001). The variant is reported as pathogenic by several sources in the ClinVar database (Variation ID: 52177) and is only observed on one allele in the Genome Aggregation Database, indicating it is not a common polymorphism. This variant causes a frameshift by deleting 2 nucleotides, so it is predicted to result in a truncated protein or mRNA subject to nonsense-mediated decay. Based on available information, this variant is considered to be pathogenic. References: Lubinski J et al. Cancer variation associated with the position of the mutation in the BRCA2 gene. Fam Cancer. 2004;3(1):1-10. Pritchard et al. Inherited DNA-Repair Gene Mutations in Men with Metastatic Prostate Cancer. N Engl J Med. 2016 Aug 4;375(5):443-53. Schorge et al. Germline BRCA1-2 mutations in non-Ashkenazi families with double primary breast and ovarian cancer. Gynecol Oncol. 2001 Nov;83(2):383-7.

Consortium of Investigators of Modifiers of BRCA1/2 (CIMBA), c/o University of Cambridge
Classification: Pathogenic for Breast-ovarian cancer, familial, susceptibility to, 2. Last evaluated: 2015-10-02. Review status: criteria provided, single submitter. Criteria: CIMBA Mutation Classification guidelines May 2016. Collection method: clinical testing. Allele origin: germline. Not counted in ClinVar's aggregate classification.

Research Molecular Genetics Laboratory, Women's College Hospital, University of Toronto
Classification: Pathogenic for Hereditary breast ovarian cancer syndrome. Last evaluated: 2014-01-31. Review status: no assertion criteria provided. Collection method: research. Allele origin: germline. Affected: yes. Study: The Canadian Open Genetics Repository (COGR). Not counted in ClinVar's aggregate classification.

Sharing Clinical Reports Project (SCRP)
Classification: Pathogenic for Breast-ovarian cancer, familial 2. Last evaluated: 2010-01-13. Review status: no assertion criteria provided. Collection method: clinical testing. Allele origin: germline. Not counted in ClinVar's aggregate classification.

Breast Cancer Information Core (BIC) (BRCA2)
Classification: Pathogenic for Breast-ovarian cancer, familial 2. Last evaluated: 2004-02-20. Review status: no assertion criteria provided. Collection method: clinical testing. Allele origin: germline. Affected: yes. Observed: 4 variant alleles. Not counted in ClinVar's aggregate classification.

Literature cited by the submitters: PubMed 11606101 (cited by 6 submitters); PubMed 25849179 (cited by Ambry Genetics); PubMed 27433846 (cited by 5 submitters); PubMed 29337092 (cited by 3 submitters); PubMed 29446198 (cited by 4 submitters); PubMed 34717758 (cited by 3 submitters); PubMed 20104584 (cited by Labcorp Genetics (formerly Invitae), Labcorp); PubMed 15131399 (cited by Women's Health and Genetics/Laboratory Corporation of America, LabCorp); PubMed 12048272 (cited by Women's Health and Genetics/Laboratory Corporation of America, LabCorp); PubMed 24094589 (cited by Women's Health and Genetics/Laboratory Corporation of America, LabCorp).